The following is an entry in ClinVar:

NM_001384474.1(LOXHD1):c.5714dup (p.Phe1906fs)

Gene: LOXHD1 (lipoxygenase homology PLAT domains 1; minus strand). Cytogenetic location: 18q21.1.
Variant type: Duplication.
Coding change: c.5714dup on transcript NM_001384474.1 (MANE Select); coding-DNA position 5714, one base duplicated (T; older notation c.5714dupT).
Protein change: p.Phe1906fs; shifts the reading frame from phenylalanine 1906.
Molecular consequence: frameshift variant.
Genome position (GRCh38, 1-based): chr18:46,506,002, A duplicated on the plus strand (T on the coding strand, the reverse complement: LOXHD1 is on the minus strand). VCF-style (leftmost placement, unchanged base first): chr18-46506001-C-CA. GRCh37 (hg19) VCF-style: chr18-44085964-C-CA.
Other names: c.2381dup, p.Phe795fs (NM_001145472.3); c.431dup, p.Phe145fs (NM_001145473.3, NM_001173129.2); c.2093dup, p.Phe699fs (NM_001308013.2); c.5528dup, p.Phe1844fs (NM_144612.7); short protein forms F145fs, F1844fs, F1906fs, F699fs, F795fs.
Identifiers: ClinVar variation 4816842 (VCV004816842.1).

ClinVar aggregate classification (germline): Likely pathogenic (1 of 4 stars; one submission).

Conditions:
Autosomal recessive nonsyndromic hearing loss 77. Identifiers: Orphanet 90636, MedGen C2746083, MONDO:0013119, OMIM 613079.

Submission:

Natera, Inc.
Classification: Likely pathogenic for Autosomal recessive deafness type 77. Last evaluated: 2025-03-13. Review status: criteria provided, single submitter. Criteria: Natera Variant Classification Schema (03/2026). Collection method: clinical testing. Allele origin: germline.
Comment: The c.5528dupT variant in LOXHD1 is a frameshift variant predicted to shift the reading frame beginning at codon 1844 and leads to a stop codon 11 codons downstream. This variant is expected to result in nonsense mediated decay, truncation, or a dysfunctional protein product. This variant is rare in the general population with a frequency below the threshold expected for the associated phenotype(s). Given the available evidence, this variant is classified as Likely Pathogenic.